The following is an entry in ClinVar:

ClinVar aggregate classification (germline): Likely benign (1 of 4 stars; one submission).

Conditions:
VIPAS39-related disorder. Also called: VIPAS39-related condition.

Submission:

PreventionGenetics, part of Exact Sciences
Classification: Likely benign for VIPAS39-related condition. Last evaluated: 2026-01-13. Review status: criteria provided, single submitter. Criteria: ACMG Guidelines, 2015. Collection method: clinical testing. Allele origin: germline.
Comment: This variant is classified as likely benign based on ACMG/AMP sequence variant interpretation guidelines (Richards et al. 2015 PMID: 25741868, with internal and published modifications).

NM_001193315.2(VIPAS39):c.913-4A>G

Gene: VIPAS39 (VPS33B interacting protein, apical-basolateral polarity regulator, spe-39 homolog; minus strand). Cytogenetic location: 14q24.3.
Variant type: single nucleotide variant.
Coding change: c.913-4A>G on transcript NM_001193315.2 (MANE Select); 4 bases into the intron before coding-DNA position 913, A replaced by G.
Molecular consequence: intron variant.
Genome position (GRCh38, 1-based): chr14:77,435,397, T>C on the plus strand (A>G on the coding strand, the complement: VIPAS39 is on the minus strand). VCF-style: chr14-77435397-T-C. GRCh37 (hg19) VCF-style: chr14-77901740-T-C.
Other names: c.673-4A>G (NM_001400337.1); c.766-4A>G (NM_001193316.2, NM_001400324.1, NM_001400325.1); c.820-4A>G (NM_001400333.1, NM_001400334.1); c.880-4A>G (NM_001400327.1); c.811-4A>G (NM_001400338.1); c.763-1094A>G (NM_001400339.1); c.912+447A>G (NM_001400336.1); c.913-4A>G (NM_001400330.1, NM_001400335.1, NM_001400332.1 and 5 more transcripts).
Identifiers: ClinVar variation 4993745 (VCV004993745.1).